The following is an entry in ClinVar:

ClinVar aggregate classification (germline): Pathogenic/Likely pathogenic. Review status: criteria provided, multiple submitters, no conflicts (2 of 4 stars). 4 submissions from 4 submitters: Pathogenic (2); Likely pathogenic (1). 1 of the submissions does not count toward it. Last evaluated 2023-08-29.

Conditions:
Biotinidase deficiency. Also called: Biotin deficiency; BTD deficiency; Late-onset biotin-responsive multiple carboxylase deficiency. Identifiers: Orphanet 79241, MedGen C0220754, MONDO:0009665, OMIM 253260.

Allele frequency attached by ClinVar (database versions not stated): gnomAD exomes below 0.00001.
gnomAD v4.1: 1 of 1,614,126 alleles (0.000062%); highest among the groups gnomAD compares: South Asian, 0.0011%; no homozygotes.

Submissions (4):

Women's Health and Genetics/Laboratory Corporation of America, LabCorp
Classification: Pathogenic for Biotinidase deficiency. Last evaluated: 2023-08-29. Review status: criteria provided, single submitter. Criteria: LabCorp Variant Classification Summary - May 2015. Collection method: clinical testing. Allele origin: germline.
Comment: Variant summary: BTD c.569A>G (p.Tyr190Cys) results in a non-conservative amino acid change located in the Carbon-nitrogen hydrolase domain (IPR003010) of the encoded protein sequence. Five of five in-silico tools predict a damaging effect of the variant on protein function. The variant was absent in 251486 control chromosomes (gnomAD). c.569A>G has been reported in the literature in multiple compound heterozygous and homozygous individuals affected with Biotinidase Deficiency (e.g., Pomponio_1997, Norrgard_1999, Sarafoglou_2009, Gannavarapu_2015). These data indicate that the variant is very likely to be associated with disease. The following publications have been ascertained in the context of this evaluation (PMID: 26361991, 10400129, 9396567, 19757147). One submitter has reported clinical-significance assessments for this variant to ClinVar after 2014 and has classified the variant as pathogenic/likely pathogenic. Based on the evidence outlined above, the variant was classified as pathogenic.

Baylor Genetics
Classification: Pathogenic for Biotinidase deficiency. Last evaluated: 2023-06-06. Review status: criteria provided, single submitter. Criteria: ACMG Guidelines, 2015. Collection method: clinical testing. Allele origin: unknown.

Eurofins Ntd Llc (ga)
Classification: Likely pathogenic. Last evaluated: 2014-07-16. Review status: criteria provided, single submitter. Criteria: EGL Classification Definitions 2015. Collection method: clinical testing. Allele origin: germline. Observed: 1 variant allele, 1 homozygote.

Counsyl
Classification: Likely pathogenic for Biotinidase deficiency. Last evaluated: 2017-03-17. Review status: no assertion criteria provided. Collection method: clinical testing. Allele origin: unknown. Not counted in ClinVar's aggregate classification.

Literature cited by the submitters: PubMed 10400129 (cited by Women's Health and Genetics/Laboratory Corporation of America, LabCorp); PubMed 19757147 (cited by Women's Health and Genetics/Laboratory Corporation of America, LabCorp and Counsyl); PubMed 9396567 (cited by Women's Health and Genetics/Laboratory Corporation of America, LabCorp and Counsyl); PubMed 26361991 (cited by Women's Health and Genetics/Laboratory Corporation of America, LabCorp and Counsyl).

NM_001370658.1(BTD):c.569A>G (p.Tyr190Cys)

Gene: BTD (biotinidase; plus strand). Cytogenetic location: 3p25.1.
Variant type: single nucleotide variant.
Coding change: c.569A>G on transcript NM_001370658.1 (MANE Select); coding-DNA position 569, A replaced by G.
Protein change: p.Tyr190Cys; replaces tyrosine 190 with cysteine.
Molecular consequence: missense variant. On other transcripts: intron variant (1).
Genome position (GRCh38, 1-based): chr3:15,644,485, A>G. VCF-style: chr3-15644485-A-G. GRCh37 (hg19) VCF-style: chr3-15685992-A-G.
Other names: Y210C; c.569A>G, p.Tyr190Cys (NM_001281723.4, NM_001281724.3, NM_001281725.3 and 18 more transcripts); c.629A>G, p.Tyr210Cys (NM_000060.4); c.399+2428A>G (NM_001370753.1); short protein forms Y190C.
Identifiers: ClinVar variation 38275 (VCV000038275.9), dbSNP rs397507174, ClinGen allele CA278239.